The following is an entry in ClinVar:

ClinVar aggregate classification (germline): Uncertain significance (1 of 4 stars; one submission).

Conditions:
Hyperkalemic periodic paralysis. Also called: Familial hyperkalemic periodic paralysis; Gamstorp disease. Identifiers: Orphanet 682, MedGen C0238357, MONDO:0008224, OMIM 170500, HP:0007215.

Submission:

Labcorp Genetics (formerly Invitae), Labcorp
Classification: Uncertain significance for Hyperkalemic periodic paralysis. Last evaluated: 2022-07-06. Review status: criteria provided, single submitter. Criteria: Invitae Variant Classification Sherloc (09022015). Collection method: clinical testing. Allele origin: germline.
Comment: This sequence change replaces aspartic acid, which is acidic and polar, with alanine, which is neutral and non-polar, at codon 932 of the SCN4A protein (p.Asp932Ala). In summary, the available evidence is currently insufficient to determine the role of this variant in disease. Therefore, it has been classified as a Variant of Uncertain Significance. Algorithms developed to predict the effect of missense changes on protein structure and function are either unavailable or do not agree on the potential impact of this missense change (SIFT: "Deleterious"; PolyPhen-2: "Benign"; Align-GVGD: "Class C65"). ClinVar contains an entry for this variant (Variation ID: 652422). This variant has not been reported in the literature in individuals affected with SCN4A-related conditions. This variant is not present in population databases (gnomAD no frequency).

NM_000334.4(SCN4A):c.2795A>C (p.Asp932Ala)

Genes: SCN4A (sodium voltage-gated channel alpha subunit 4; minus strand), GH-LCR (growth hormone locus control region; plus strand). Cytogenetic location: 17q23.3.
Variant type: single nucleotide variant.
Coding change: c.2795A>C on transcript NM_000334.4 (MANE Select); coding-DNA position 2795, A replaced by C.
Protein change: p.Asp932Ala; replaces aspartic acid 932 with alanine.
Molecular consequence: missense variant.
Genome position (GRCh38, 1-based): chr17:63,951,482, T>G on the plus strand (A>C on the coding strand, the complement: SCN4A is on the minus strand). VCF-style: chr17-63951482-T-G. GRCh37 (hg19) VCF-style: chr17-62028842-T-G.
Other names: short protein forms D932A.
Identifiers: ClinVar variation 652422 (VCV000652422.9), dbSNP rs1597973465, ClinGen allele CA400624868.
Genomic context (GRCh38, chr17:63,951,482, plus strand): 5'-ACCTTGCTATCCTCAGGCTCTGAGAAAGTGTCGGTTTCCTCCTCGGTGGGCATCTCCAGG[T>G]CGGACTCCTCGGAGGCGATGGGCACCTGTATGGTCAGGTAGGGGTTGTTGATGAAGTTAA-3'
Protein context (NP_000325.4, residues 922-942): IQVPIASEES[Asp932Ala]LEMPTEEETD